The following is an entry in ClinVar:

ClinVar aggregate classification (germline): Uncertain significance. Review status: reviewed by expert panel (3 of 4 stars). 2 submissions from 2 submitters: Uncertain significance (1). 1 of the submissions does not count toward it. Last evaluated 2025-01-15.

Conditions:
Hereditary thrombocytopenia and hematologic cancer predisposition syndrome. Identifiers: Orphanet 71290, MedGen CN281654, MONDO:0011071.
Hereditary thrombocytopenia and hematological cancer predisposition syndrome associated with RUNX1. Also called: RUNX1 Familial Platelet Disorder with Associated Myeloid Malignancies; Familial Platelet Disorder with Propensity to Acute Myelogenous Leukemia; Familial thrombocytopenia with propensity to acute myelogenous leukemia; PLATELET DISORDER, ASPIRIN-LIKE. Identifiers: Orphanet 71290, MedGen C1832388, MeSH C563324, MONDO:0100083, OMIM 601399.

Submissions (2):

ClinGen Myeloid Malignancy Variant Curation Expert Panel
Classification: Uncertain significance for Hereditary thrombocytopenia and hematologic cancer predisposition syndrome. Last evaluated: 2025-01-15. Review status: reviewed by expert panel. Criteria: ClinGen MyeloMalig ACMG Specifications v2. Collection method: curation. Allele origin: germline. Inheritance: Autosomal dominant inheritance.
Comment: NM_001754.5(RUNX1):c.781C>T (p.Pro261Ser) is a missense variant, which is completely absent from all population databases with at least 20x coverage for RUNX1 (PM2_Supporting). In summary, the clinical significance of this variant is uncertain. ACMG/AMP criteria applied, as specified by the Myeloid Malignancy Variant Curation Expert Panel for RUNX1: PM2_Supporting.

Labcorp Genetics (formerly Invitae), Labcorp
Classification: Uncertain significance for Hereditary thrombocytopenia and hematological cancer predisposition syndrome associated with RUNX1. Last evaluated: 2021-07-30. Review status: criteria provided, single submitter. Criteria: Invitae Variant Classification Sherloc (09022015). Collection method: clinical testing. Allele origin: germline. Not counted in ClinVar's aggregate classification.
Comment: In summary, the available evidence is currently insufficient to determine the role of this variant in disease. Therefore, it has been classified as a Variant of Uncertain Significance. Algorithms developed to predict the effect of missense changes on protein structure and function (SIFT, PolyPhen-2, Align-GVGD) all suggest that this variant is likely to be tolerated. This variant has not been reported in the literature in individuals affected with RUNX1-related conditions. This variant is not present in population databases (ExAC no frequency). This sequence change replaces proline with serine at codon 261 of the RUNX1 protein (p.Pro261Ser). The proline residue is moderately conserved and there is a moderate physicochemical difference between proline and serine.

NM_001754.5(RUNX1):c.781C>T (p.Pro261Ser)

Gene: RUNX1 (RUNX family transcription factor 1; minus strand). Cytogenetic location: 21q22.12.
Variant type: single nucleotide variant.
Coding change: c.781C>T on transcript NM_001754.5 (MANE Select); coding-DNA position 781, C replaced by T.
Protein change: p.Pro261Ser; replaces proline 261 with serine.
Molecular consequence: missense variant.
Genome position (GRCh38, 1-based): chr21:34,834,434, G>A on the plus strand (C>T on the coding strand, the complement: RUNX1 is on the minus strand). VCF-style: chr21-34834434-G-A. GRCh37 (hg19) VCF-style: chr21-36206731-G-A.
Other names: NM_001754.5(RUNX1):c.781C>T; p.Pro261Ser; c.700C>T, p.Pro234Ser (NM_001001890.3, NM_001122607.2); short protein forms P234S, P261S.
Identifiers: ClinVar variation 1515908 (VCV001515908.7), dbSNP rs2146074722, ClinGen allele CA410206700.